The following is an entry in ClinVar:

ClinVar aggregate classification (germline): Uncertain significance (1 of 4 stars; one submission).

Allele frequency attached by ClinVar (database versions not stated): ExAC 0.00004; gnomAD exomes 0.00004; gnomAD 0.00005 and 0.00006.
gnomAD v4.1: 59 of 1,613,888 alleles (0.0037%); highest among the groups gnomAD compares: Middle Eastern, 0.016%; 1 homozygote.

Submission:

Labcorp Genetics (formerly Invitae), Labcorp
Classification: Uncertain significance. Last evaluated: 2026-01-10. Review status: criteria provided, single submitter. Criteria: Invitae Variant Classification Sherloc (09022015). Collection method: clinical testing. Allele origin: germline.
Comment: This sequence change replaces arginine, which is basic and polar, with glutamine, which is neutral and polar, at codon 476 of the LIPG protein (p.Arg476Gln). This variant is present in population databases (rs17855045, gnomAD 0.008%). This variant has not been reported in the literature in individuals affected with LIPG-related conditions. ClinVar contains an entry for this variant (Variation ID: 1450167). An algorithm developed to predict the effect of missense changes on protein structure and function outputs the following: PolyPhen-2: "Benign". The glutamine amino acid residue is found in multiple mammalian species, which suggests that this missense change does not adversely affect protein function. In summary, the available evidence is currently insufficient to determine the role of this variant in disease. Therefore, it has been classified as a Variant of Uncertain Significance.

NM_006033.4(LIPG):c.1427G>A (p.Arg476Gln)

Gene: LIPG (lipase G, endothelial type; plus strand). Cytogenetic location: 18q21.1.
Variant type: single nucleotide variant.
Coding change: c.1427G>A on transcript NM_006033.4 (MANE Select); coding-DNA position 1427, G replaced by A.
Protein change: p.Arg476Gln; replaces arginine 476 with glutamine.
Molecular consequence: missense variant.
Genome position (GRCh38, 1-based): chr18:49,586,796, G>A. VCF-style: chr18-49586796-G-A. GRCh37 (hg19) VCF-style: chr18-47113166-G-A.
Other names: c.1205G>A, p.Arg402Gln (NM_001308006.2); short protein forms R402Q, R476Q.
Identifiers: ClinVar variation 1450167 (VCV001450167.6), dbSNP rs17855045, ClinGen allele CA8959399.